The following is an entry in ClinVar:

ClinVar aggregate classification (germline): Pathogenic. Review status: criteria provided, multiple submitters, no conflicts (2 of 4 stars). 2 submissions from 2 submitters: Pathogenic (2). Last evaluated 2025-10-14.

Conditions:
Ataxia-telangiectasia syndrome (AT). Also called: LOUIS-BAR SYNDROME; Cerebello-oculocutaneous telangiectasia; Immunodeficiency with ataxia telangiectasia; Ataxia telangiectasia (A-T); Ataxia-telangiectasia, complementation group D; AT, COMPLEMENTATION GROUP C. Identifiers: Orphanet 100, MedGen C0004135, MONDO:0008840, OMIM 208900.
Hereditary cancer-predisposing syndrome. Also called: Tumor predisposition; Neoplastic Syndromes, Hereditary; Hereditary Cancer Syndrome; Hereditary neoplastic syndrome. Identifiers: Orphanet 140162, MedGen C0027672, MeSH D009386, MONDO:0015356.

Submissions (2):

Ambry Genetics
Classification: Pathogenic for Hereditary cancer-predisposing syndrome. Last evaluated: 2025-10-14. Review status: criteria provided, single submitter. Criteria: Ambry Variant Classification Scheme 2023. Collection method: clinical testing. Allele origin: germline.
Comment: The c.5807dupT pathogenic mutation, located in coding exon 38 of the ATM gene, results from a duplication of T at nucleotide position 5807, causing a translational frameshift with a predicted alternate stop codon (p.L1936Ffs*29). This variant is considered to be rare based on population cohorts in the Genome Aggregation Database (gnomAD). This alteration is expected to result in loss of function by premature protein truncation or nonsense-mediated mRNA decay. As such, this alteration is interpreted as a disease-causing mutation.

Labcorp Genetics (formerly Invitae), Labcorp
Classification: Pathogenic for Ataxia-telangiectasia syndrome. Last evaluated: 2023-07-29. Review status: criteria provided, single submitter. Criteria: Invitae Variant Classification Sherloc (09022015). Collection method: clinical testing. Allele origin: germline.
Comment: For these reasons, this variant has been classified as Pathogenic. This variant has not been reported in the literature in individuals affected with ATM-related conditions. This variant is not present in population databases (gnomAD no frequency). This sequence change creates a premature translational stop signal (p.Leu1936Phefs*29) in the ATM gene. It is expected to result in an absent or disrupted protein product. Loss-of-function variants in ATM are known to be pathogenic (PMID: 23807571, 25614872).

Literature cited by the submitters: PubMed 23807571 (cited by Labcorp Genetics (formerly Invitae), Labcorp); PubMed 25614872 (cited by Labcorp Genetics (formerly Invitae), Labcorp).

NM_000051.4(ATM):c.5807dup (p.Leu1936fs)

Genes: ATM (ATM serine/threonine kinase; plus strand), C11orf65 (chromosome 11 open reading frame 65; minus strand). Cytogenetic location: 11q22.3.
Variant type: Duplication.
Coding change: c.5807dup on transcript NM_000051.4 (MANE Select); coding-DNA position 5807, one base duplicated (T; older notation c.5807dupT).
Protein change: p.Leu1936fs; shifts the reading frame from leucine 1936.
Molecular consequence: frameshift variant. On other transcripts: intron variant (2).
Genome position (GRCh38, 1-based): chr11:108,310,204, T duplicated; the last of 3 consecutive T bases (chr11:108,310,202-108,310,204); duplicating any one gives the same sequence. VCF-style (leftmost placement, unchanged base first): chr11-108310201-A-AT. GRCh37 (hg19) VCF-style: chr11-108180928-A-AT.
Other names: c.5807dup, p.Leu1936fs (NM_001351834.2); c.641-1131dup (NM_001330368.2); c.*39-1131dup (NM_001351110.2); c.5807dupT (NM_000051.3); short protein forms L1936fs.
Identifiers: ClinVar variation 2730101 (VCV002730101.3), dbSNP rs2547027075, ClinGen allele CA2615861839.